The following is an entry in ClinVar:

NM_001098511.3(KIF2A):c.1263-183C>T

Gene: KIF2A (kinesin family member 2A; plus strand). Cytogenetic location: 5q12.1.
Variant type: single nucleotide variant.
Coding change: c.1263-183C>T on transcript NM_001098511.3 (MANE Select); 183 bases into the intron before coding-DNA position 1263, C replaced by T.
Molecular consequence: intron variant.
Genome position (GRCh38, 1-based): chr5:62,363,512, C>T. VCF-style: chr5-62363512-C-T. GRCh37 (hg19) VCF-style: chr5-61659339-C-T.
Other names: c.1182-183C>T (NM_001243952.2); c.1263-183C>T (NM_004520.5); c.1206-183C>T (NM_001243953.2).
Identifiers: ClinVar variation 682879 (VCV000682879.1), dbSNP rs166008, ClinGen allele CA12136904.

ClinVar aggregate classification (germline): Benign (1 of 4 stars; one submission).

Allele frequency attached by ClinVar (database versions not stated): 1000 Genomes Project 30x 0.21268; 1000 Genomes Project 0.21645; gnomAD 0.24603 and 0.24972; TOPMed 0.24730.
gnomAD v4.1: 37,501 of 151,990 alleles (25%); highest among the groups gnomAD compares: Middle Eastern, 30%; 4,713 homozygotes.

Submission:

GeneDx
Classification: Benign. Last evaluated: 2018-06-14. Review status: criteria provided, single submitter. Criteria: GeneDx Variant Classification (06012015). Collection method: clinical testing. Allele origin: germline. Affected: yes.
Comment: This variant is considered likely benign or benign based on one or more of the following criteria: it is a conservative change, it occurs at a poorly conserved position in the protein, it is predicted to be benign by multiple in silico algorithms, and/or has population frequency not consistent with disease.